The following is an entry in ClinVar:

ClinVar aggregate classification (germline): Likely pathogenic (1 of 4 stars; one submission).

Conditions:
Lesch-Nyhan syndrome (LNS). Also called: HPRT DEFICIENCY, COMPLETE; Lesch-Nyhan Disease (LND). Identifiers: Orphanet 510, MedGen C0023374, MONDO:0010298, OMIM 300322.

Submission:

Laboratorio de Genetica e Diagnostico Molecular, Hospital Israelita Albert Einstein
Classification: Likely pathogenic for Lesch-Nyhan syndrome. Last evaluated: 2022-06-16. Review status: criteria provided, single submitter. Criteria: ACMG Guidelines, 2015. Collection method: clinical testing. Allele origin: germline. Affected: yes. Observed: 1 variant allele.
Comment: ACMG classification criteria: PS4 supporting, PM2 moderated, PM5 moderated, PP3 supporting

NM_000194.3(HPRT1):c.580G>T (p.Asp194Tyr)

Gene: HPRT1 (hypoxanthine phosphoribosyltransferase 1; plus strand). Cytogenetic location: Xq26.2.
Variant type: single nucleotide variant.
Coding change: c.580G>T on transcript NM_000194.3 (MANE Select); coding-DNA position 580, G replaced by T.
Protein change: p.Asp194Tyr; replaces aspartic acid 194 with tyrosine.
Molecular consequence: missense variant.
Genome position (GRCh38, 1-based): chrX:134,498,655, G>T. VCF-style: chrX-134498655-G-T. GRCh37 (hg19) VCF-style: chrX-133632685-G-T.
Other names: short protein forms D194Y.
Identifiers: ClinVar variation 2431695 (VCV002431695.1), dbSNP rs267606863, ClinGen allele CA414715927.